The following is an entry in ClinVar:

NM_015474.4(SAMHD1):c.998G>A (p.Arg333His)

Gene: SAMHD1 (SAM and HD domain containing deoxynucleoside triphosphate triphosphohydrolase 1; minus strand). Cytogenetic location: 20q11.23.
Variant type: single nucleotide variant.
Coding change: c.998G>A on transcript NM_015474.4 (MANE Select); coding-DNA position 998, G replaced by A.
Protein change: p.Arg333His; replaces arginine 333 with histidine.
Molecular consequence: missense variant.
Genome position (GRCh38, 1-based): chr20:36,916,786, C>T on the plus strand (G>A on the coding strand, the complement: SAMHD1 is on the minus strand). VCF-style: chr20-36916786-C-T. GRCh37 (hg19) VCF-style: chr20-35545189-C-T.
Other names: c.998G>A, p.Arg333His (NM_001363729.2, NM_001363733.2); short protein forms R333H.
Identifiers: ClinVar variation 966467 (VCV000966467.35), dbSNP rs755046462, ClinGen allele CA9844610.

ClinVar aggregate classification (germline): Uncertain significance. Review status: criteria provided, multiple submitters, no conflicts (2 of 4 stars). 3 submissions from 3 submitters: Uncertain significance (2). 1 of the submissions does not count toward it. Last evaluated 2023-06-01.

Conditions:
Aicardi-Goutieres syndrome 5. Identifiers: Orphanet 51, MedGen C2749659, MONDO:0013059, OMIM 612952.
Aicardi Goutieres syndrome (AGS). Also called: Encephalopathy, familial infantile, with calcification of basal ganglia and chronic cerebrospinal fluid lymphocytosis. Identifiers: Orphanet 51, MedGen C0393591, MONDO:0018866.

Allele frequency attached by ClinVar (database versions not stated): gnomAD exomes below 0.00001; ExAC 0.00001; gnomAD 0.00001; TOPMed 0.00001.
gnomAD v4.1: 6 of 1,613,898 alleles (0.00037%); highest among the groups gnomAD compares: Non-Finnish European, 0.00042%; no homozygotes.

Submissions (3):

CeGaT Center for Human Genetics Tuebingen
Classification: Uncertain significance. Last evaluated: 2023-06-01. Review status: criteria provided, single submitter. Criteria: CeGaT Center For Human Genetics Tuebingen Variant Classification Criteria Version 2. Collection method: clinical testing. Allele origin: germline. Affected: yes. Observed: 1 variant allele.
Comment: SAMHD1: PM2

Labcorp Genetics (formerly Invitae), Labcorp
Classification: Uncertain significance for Aicardi-Goutieres syndrome 5. Last evaluated: 2022-06-13. Review status: criteria provided, single submitter. Criteria: Invitae Variant Classification Sherloc (09022015). Collection method: clinical testing. Allele origin: germline.
Comment: This sequence change replaces arginine, which is basic and polar, with histidine, which is basic and polar, at codon 333 of the SAMHD1 protein (p.Arg333His). This variant is present in population databases (rs755046462, gnomAD 0.007%). This variant has not been reported in the literature in individuals affected with SAMHD1-related conditions. ClinVar contains an entry for this variant (Variation ID: 966467). Algorithms developed to predict the effect of missense changes on protein structure and function are either unavailable or do not agree on the potential impact of this missense change (SIFT: "Deleterious"; PolyPhen-2: "Probably Damaging"; Align-GVGD: "Class C0"). In summary, the available evidence is currently insufficient to determine the role of this variant in disease. Therefore, it has been classified as a Variant of Uncertain Significance.

Natera, Inc.
Classification: Uncertain significance for Aicardi-Goutieres syndrome. Last evaluated: 2020-01-08. Review status: no assertion criteria provided. Collection method: clinical testing. Allele origin: germline. Not counted in ClinVar's aggregate classification.